The following is an entry in ClinVar:

ClinVar aggregate classification (germline): Uncertain significance (1 of 4 stars; one submission).

Submission:

GeneDx
Classification: Uncertain significance. Last evaluated: 2024-03-06. Review status: criteria provided, single submitter. Criteria: GeneDx Variant Classification Process June 2021. Collection method: clinical testing. Allele origin: germline. Affected: yes.
Comment: Not observed at significant frequency in large population cohorts (gnomAD); In silico analysis supports that this variant does not alter splicing; This variant is associated with the following publications: (PMID: 30291343)

NM_000090.4(COL3A1):c.1815+2T>C

Gene: COL3A1 (collagen type III alpha 1 chain; plus strand). Cytogenetic location: 2q32.2.
Variant type: single nucleotide variant.
Coding change: c.1815+2T>C on transcript NM_000090.4 (MANE Select); the canonical splice donor site of the intron after coding-DNA position 1815, T replaced by C.
Molecular consequence: splice donor variant.
Genome position (GRCh38, 1-based): chr2:188,997,220, T>C. VCF-style: chr2-188997220-T-C. GRCh37 (hg19) VCF-style: chr2-189861946-T-C.
Identifiers: ClinVar variation 3340906 (VCV003340906.1).